The following is an entry in ClinVar:

NM_001252024.2(TRPM1):c.2953A>C (p.Met985Leu)

Genes: TRPM1-AS1 (TRPM1 antisense RNA 1; plus strand), TRPM1 (transient receptor potential cation channel subfamily M member 1; minus strand). Cytogenetic location: 15q13.3.
Variant type: single nucleotide variant.
Coding change: c.2953A>C on transcript NM_001252024.2 (MANE Select); coding-DNA position 2953, A replaced by C.
Protein change: p.Met985Leu; replaces methionine 985 with leucine.
Molecular consequence: missense variant.
Genome position (GRCh38, 1-based): chr15:31,031,157, T>G on the plus strand (A>C on the coding strand, the complement: TRPM1 is on the minus strand). VCF-style: chr15-31031157-T-G. GRCh37 (hg19) VCF-style: chr15-31323360-T-G.
Other names: c.3004A>C, p.Met1002Leu (NM_001252020.2); c.2887A>C, p.Met963Leu (NM_002420.6); c.3004A>C (NM_001252020.1); short protein forms M963L, M985L, M1002L.
Identifiers: ClinVar variation 290836 (VCV000290836.16), dbSNP rs181499296, ClinGen allele CA7452015.

ClinVar aggregate classification (germline): Conflicting classifications of pathogenicity. Review status: criteria provided, conflicting classifications (1 of 4 stars). 4 submissions from 4 submitters: Uncertain significance (1); Likely benign (2). 1 of the submissions does not count toward it. Last evaluated 2025-12-20.

Conditions:
TRPM1-related disorder. Also called: TRPM1-related condition.

Allele frequency attached by ClinVar (database versions not stated): gnomAD exomes 0.00009 and 0.00028; ExAC 0.00026; 1000 Genomes Project 30x 0.00062; ESP Exome Variant Server 0.00063; 1000 Genomes Project 0.00080; gnomAD 0.00102 and 0.00111; TOPMed 0.00137.
gnomAD v4.1: 293 of 1,614,198 alleles (0.018%); highest among the groups gnomAD compares: African/African-American, 0.36%; 1 homozygote.

Submissions (4):

Labcorp Genetics (formerly Invitae), Labcorp
Classification: Likely benign. Last evaluated: 2025-12-20. Review status: criteria provided, single submitter. Criteria: Invitae Variant Classification Sherloc (09022015). Collection method: clinical testing. Allele origin: germline.

Blueprint Genetics
Classification: Likely benign. Last evaluated: 2024-05-02. Review status: criteria provided, single submitter. Criteria: ACMG Guidelines, 2015. Collection method: clinical testing. Allele origin: germline.

Eurofins Ntd Llc (ga)
Classification: Uncertain significance. Last evaluated: 2016-09-01. Review status: criteria provided, single submitter. Criteria: EGL Classification Definitions 2015. Collection method: clinical testing. Allele origin: germline. Observed: 1 variant allele, 1 heterozygote.

PreventionGenetics, part of Exact Sciences
Classification: Likely benign for TRPM1-related condition. Last evaluated: 2024-07-22. Review status: no assertion criteria provided. Collection method: clinical testing. Allele origin: germline. Not counted in ClinVar's aggregate classification.
Comment: This variant is classified as likely benign based on ACMG/AMP sequence variant interpretation guidelines (Richards et al. 2015 PMID: 25741868, with internal and published modifications).